The following is an entry in ClinVar:

NM_001844.5(COL2A1):c.3829A>G (p.Lys1277Glu)

Gene: COL2A1 (collagen type II alpha 1 chain; minus strand). Cytogenetic location: 12q13.11.
Variant type: single nucleotide variant.
Coding change: c.3829A>G on transcript NM_001844.5 (MANE Select); coding-DNA position 3829, A replaced by G.
Protein change: p.Lys1277Glu; replaces lysine 1277 with glutamic acid.
Molecular consequence: missense variant.
Genome position (GRCh38, 1-based): chr12:47,975,374, T>C on the plus strand (A>G on the coding strand, the complement: COL2A1 is on the minus strand). VCF-style: chr12-47975374-T-C. GRCh37 (hg19) VCF-style: chr12-48369157-T-C.
Other names: c.3622A>G, p.Lys1208Glu (NM_033150.3); short protein forms K1208E, K1277E.
Identifiers: ClinVar variation 4292059 (VCV004292059.1).

ClinVar aggregate classification (germline): Uncertain significance (1 of 4 stars; one submission).

Conditions:
COL2A1-related disorder. Also called: COL2A1-related condition; COL2A1-related disorders.

Submission:

3billion
Classification: Uncertain significance for COL2A1-related disorder. Last evaluated: 2024-08-22. Review status: criteria provided, single submitter. Criteria: ACMG Guidelines, 2015. Collection method: clinical testing. Allele origin: germline. Affected: yes.
Comment: The variant is not observed in the gnomAD v4.0.0 dataset. Predicted Consequence/Location: Missense variant In silico tool predictions suggest damaging effect of the variant on gene or gene product [REVEL: 0.66 (>=0.6, sensitivity 0.68 and specificity 0.92)]. Therefore, this variant is classified as VUS according to the recommendation of ACMG/AMP guideline.